The following is an entry in ClinVar:

ClinVar aggregate classification (germline): Pathogenic (1 of 4 stars; one submission).

Conditions:
UDPglucose-4-epimerase deficiency. Also called: UDP-GALACTOSE-4-EPIMERASE DEFICIENCY; Galactose epimerase deficiency; UDPglucose 4-Epimerase Deficiency Disease; Epimerase Deficiency Galactosemia; GALACTOSEMIA III; GALE DEFICIENCY. Identifiers: Orphanet 352, Orphanet 79238, MedGen C0751161, MONDO:0009257, OMIM 230350.

Submission:

Labcorp Genetics (formerly Invitae), Labcorp
Classification: Pathogenic for UDPglucose-4-epimerase deficiency. Last evaluated: 2023-10-30. Review status: criteria provided, single submitter. Criteria: Invitae Variant Classification Sherloc (09022015). Collection method: clinical testing. Allele origin: germline.
Comment: This sequence change creates a premature translational stop signal (p.Ser312Alafs*13) in the GALE gene. While this is not anticipated to result in nonsense mediated decay, it is expected to disrupt the last 37 amino acid(s) of the GALE protein. This variant is not present in population databases (gnomAD no frequency). This variant has not been reported in the literature in individuals affected with GALE-related conditions. ClinVar contains an entry for this variant (Variation ID: 2059872). This variant disrupts a region of the GALE protein in which other variant(s) (p.Arg335His) have been determined to be pathogenic (PMID: 16301867, 16302980, 19250319). This suggests that this is a clinically significant region of the protein, and that variants that disrupt it are likely to be disease-causing. For these reasons, this variant has been classified as Pathogenic.

Literature cited by the submitters: PubMed 16301867; PubMed 16302980; PubMed 19250319.

NM_001008216.2(GALE):c.933del (p.Ser312fs)

Gene: GALE (UDP-galactose-4-epimerase; minus strand). Cytogenetic location: 1p36.11.
Variant type: Deletion.
Coding change: c.933del on transcript NM_001008216.2 (MANE Select); coding-DNA position 933, one base deleted (C; older notation c.933delC).
Protein change: p.Ser312fs; shifts the reading frame from serine 312.
Molecular consequence: frameshift variant.
Genome position (GRCh38, 1-based): chr1:23,796,206, G deleted on the plus strand (C on the coding strand, the reverse complement: GALE is on the minus strand); the first of 4 consecutive G bases (chr1:23,796,206-23,796,209); deleting any one gives the same sequence. VCF-style (leftmost placement, unchanged base first): chr1-23796205-TG-T. GRCh37 (hg19) VCF-style: chr1-24122695-TG-T.
Other names: c.933del, p.Ser312fs (NM_000403.4, NM_001127621.2); short protein forms S312fs.
Identifiers: ClinVar variation 2059872 (VCV002059872.4), dbSNP rs2521274472, ClinGen allele CA2580061509.